The following is an entry in ClinVar:

ClinVar aggregate classification (germline): Uncertain significance (1 of 4 stars; one submission).

Conditions:
Kabuki syndrome. Also called: NIIKAWA-KUROKI SYNDROME; Kabuki make-up syndrome. Identifiers: Orphanet 2322, MedGen C0796004, MONDO:0016512.

gnomAD v4.1: 1 of 1,611,890 alleles (0.000062%); highest among the groups gnomAD compares: Non-Finnish European, 0.000085%; no homozygotes.

Submission:

Labcorp Genetics (formerly Invitae), Labcorp
Classification: Uncertain significance for Kabuki syndrome. Last evaluated: 2025-04-17. Review status: criteria provided, single submitter. Criteria: Invitae Variant Classification Sherloc (09022015). Collection method: clinical testing. Allele origin: germline.
Comment: This sequence change replaces glycine, which is neutral and non-polar, with valine, which is neutral and non-polar, at codon 2721 of the KMT2D protein (p.Gly2721Val). This variant is not present in population databases (gnomAD no frequency). This variant has not been reported in the literature in individuals affected with KMT2D-related conditions. Invitae Evidence Modeling of protein sequence and biophysical properties (such as structural, functional, and spatial information, amino acid conservation, physicochemical variation, residue mobility, and thermodynamic stability) indicates that this missense variant is not expected to disrupt KMT2D protein function with a negative predictive value of 95%. In summary, the available evidence is currently insufficient to determine the role of this variant in disease. Therefore, it has been classified as a Variant of Uncertain Significance.

NM_003482.4(KMT2D):c.8162G>T (p.Gly2721Val)

Gene: KMT2D (lysine methyltransferase 2D; minus strand). Cytogenetic location: 12q13.12.
Variant type: single nucleotide variant.
Coding change: c.8162G>T on transcript NM_003482.4 (MANE Select); coding-DNA position 8162, G replaced by T.
Protein change: p.Gly2721Val; replaces glycine 2721 with valine.
Molecular consequence: missense variant.
Genome position (GRCh38, 1-based): chr12:49,039,502, C>A on the plus strand (G>T on the coding strand, the complement: KMT2D is on the minus strand). VCF-style: chr12-49039502-C-A. GRCh37 (hg19) VCF-style: chr12-49433285-C-A.
Other names: short protein forms G2721V.
Identifiers: ClinVar variation 4776450 (VCV004776450.1).